The following is an entry in ClinVar:

ClinVar aggregate classification (germline): Conflicting classifications of pathogenicity. Review status: criteria provided, conflicting classifications (1 of 4 stars). 5 submissions from 5 submitters: Uncertain significance (4); Likely benign (1). Last evaluated 2025-11-10.

Conditions:
Primary hyperparathyroidism. Also called: Primary hyperparathyroidism (disease). Identifiers: MedGen C0221002, MONDO:0010837, HP:0008200.
Multiple endocrine neoplasia type 4. Also called: MULTIPLE ENDOCRINE NEOPLASIA, TYPE IV. Identifiers: Orphanet 276152, MedGen C1970712, MONDO:0012552, OMIM 610755.
Hereditary cancer-predisposing syndrome. Also called: Neoplastic Syndromes, Hereditary; Tumor predisposition; Hereditary Cancer Syndrome; Hereditary neoplastic syndrome. Identifiers: Orphanet 140162, MedGen C0027672, MeSH D009386, MONDO:0015356.

Allele frequency attached by ClinVar (database versions not stated): TOPMed below 0.00001; gnomAD exomes 0.00002 and 0.00004; ExAC 0.00004.
gnomAD v4.1: 29 of 1,614,252 alleles (0.0018%); highest among the groups gnomAD compares: Middle Eastern, 0.016%; no homozygotes.

Submissions (6):

Ambry Genetics
Classification: Uncertain significance for Hereditary cancer-predisposing syndrome. Last evaluated: 2025-11-10. Review status: criteria provided, single submitter. Criteria: Ambry Variant Classification Scheme 2023. Collection method: clinical testing. Allele origin: germline.
Comment: The c.216C>T variant (also known as p.G72G), located in coding exon 1, results from a C to T substitution at nucleotide position 216 of the CDKN1B gene. This nucleotide substitution does not change the glycine at codon 72. This nucleotide position is not well conserved in available vertebrate species. In silico splice site analysis predicts that this alteration will result in the creation or strengthening of a novel splice donor site. RNA studies have demonstrated that this alteration results in an incomplete splice defect; the clinical impact of this abnormal splicing is unknown at this time (Ambry internal data). Based on the available evidence, the clinical significance of this variant remains unclear.

Clinical Genetics Laboratory, Skane University Hospital Lund
Classification: Uncertain significance for Primary hyperparathyroidism. Last evaluated: 2025-11-10. Review status: criteria provided, single submitter. Criteria: ACMG Guidelines, 2015. Collection method: clinical testing. Allele origin: germline. Affected: yes.
Comment: ACMG criteria used: PP3

Labcorp Genetics (formerly Invitae), Labcorp
Classification: Likely benign for Multiple endocrine neoplasia type 4. Last evaluated: 2025-08-17. Review status: criteria provided, single submitter. Criteria: Invitae Variant Classification Sherloc (09022015). Collection method: clinical testing. Allele origin: germline.

Baylor Genetics
Classification: Uncertain significance for Multiple endocrine neoplasia type 4. Last evaluated: 2023-05-10. Review status: criteria provided, single submitter. Criteria: ACMG Guidelines, 2015. Collection method: clinical testing. Allele origin: unknown.

Sema4
Classification: Uncertain significance for Hereditary cancer-predisposing syndrome. Last evaluated: 2022-03-01. Review status: criteria provided, single submitter. Criteria: Sema4 Curation Guidelines. Collection method: curation. Allele origin: germline.
Comment: The CDKN1B c.216C>T (p.G72=) variant has not been reported in the literature to our knowledge. It was observed in 9/113738 chromosomes of the Non-Finnish European subpopulation in the large and broad cohorts of the Genome Aggregation Database (PMID: 32461654). The variant has been reported in ClinVar (Variation ID 650858). Computational tools developed to predict the effect of sequence changes on RNA splicing suggest the variant may create or strengthen a splice site, though these predictions have not been confirmed by functional studies. The evidence is insufficient to meet ACMG/AMP criteria for classifying the variant as benign or pathogenic. Thus, the clinical significance of this variant is currently uncertain.

Dr. Peter K. Rogan Lab, Western University
No classification provided (evidence only). Condition: Gastric cancer. Review status: no classification provided. Collection method: in vitro. Allele origin: not applicable. Functional consequence: retained intron. Not counted in ClinVar's aggregate classification.

NM_004064.5(CDKN1B):c.216C>T (p.Gly72=)

Gene: CDKN1B (cyclin dependent kinase inhibitor 1B; plus strand). Cytogenetic location: 12p13.1.
Variant type: single nucleotide variant.
Coding change: c.216C>T on transcript NM_004064.5 (MANE Select); coding-DNA position 216, C replaced by T.
Protein change: p.Gly72=; no amino-acid change (glycine 72 retained).
Molecular consequence: synonymous variant.
Genome position (GRCh38, 1-based): chr12:12,718,055, C>T. VCF-style: chr12-12718055-C-T. GRCh37 (hg19) VCF-style: chr12-12870989-C-T.
Identifiers: ClinVar variation 650858 (VCV000650858.18), dbSNP rs776643344, ClinGen allele CA6457414.